The following is an entry in ClinVar:

NM_001111125.3(IQSEC2):c.3463C>G (p.Arg1155Gly)

Gene: IQSEC2 (IQ motif and Sec7 domain ArfGEF 2; minus strand). Cytogenetic location: Xp11.22.
Variant type: single nucleotide variant.
Coding change: c.3463C>G on transcript NM_001111125.3 (MANE Select); coding-DNA position 3463, C replaced by G.
Protein change: p.Arg1155Gly; replaces arginine 1155 with glycine.
Molecular consequence: missense variant. On other transcripts: intron variant (1).
Genome position (GRCh38, 1-based): chrX:53,235,821, G>C on the plus strand (C>G on the coding strand, the complement: IQSEC2 is on the minus strand). VCF-style: chrX-53235821-G-C. GRCh37 (hg19) VCF-style: chrX-53265003-G-C.
Other names: c.2836+501C>G (NM_015075.2); short protein forms R1155G.
Identifiers: ClinVar variation 1477120 (VCV001477120.8), dbSNP rs2074117985, ClinGen allele CA413143498.

ClinVar aggregate classification (germline): Likely pathogenic (1 of 4 stars; one submission).

Conditions:
Intellectual developmental disorder, X-linked 1. Also called: Intellectual disability, X-linked 1; Atkin Flaitz Patil Smith syndrome; MENTAL RETARDATION, X-LINKED 18; MENTAL RETARDATION, X-LINKED 78. Identifiers: Orphanet 777, MedGen C2931498, MONDO:0010656, OMIM 309530.

Submission:

Labcorp Genetics (formerly Invitae), Labcorp
Classification: Likely pathogenic for Intellectual developmental disorder, X-linked 1. Last evaluated: 2021-04-28. Review status: criteria provided, single submitter. Criteria: Invitae Variant Classification Sherloc (09022015). Collection method: clinical testing. Allele origin: germline.
Comment: In summary, the currently available evidence indicates that the variant is pathogenic, but additional data are needed to prove that conclusively. Therefore, this variant has been classified as Likely Pathogenic. Advanced modeling of protein sequence and biophysical properties (such as structural, functional, and spatial information, amino acid conservation, physicochemical variation, residue mobility, and thermodynamic stability) performed at Invitae indicates that this missense variant is not expected to disrupt IQSEC2 protein function. This variant has been observed in individual(s) with clinical features of X-linked intellectual disability (Invitae). In at least one individual the variant was observed to be de novo. This variant is not present in population databases (ExAC no frequency). This sequence change replaces arginine with glycine at codon 1155 of the IQSEC2 protein (p.Arg1155Gly). The arginine residue is moderately conserved and there is a moderate physicochemical difference between arginine and glycine.